The following is an entry in ClinVar:

NM_004782.4(SNAP29):c.436T>C (p.Leu146=)

Gene: SNAP29 (synaptosome associated protein 29; plus strand). Cytogenetic location: 22q11.21.
Variant type: single nucleotide variant.
Coding change: c.436T>C on transcript NM_004782.4 (MANE Select); coding-DNA position 436, T replaced by C.
Protein change: p.Leu146=; no amino-acid change (leucine 146 retained).
Molecular consequence: synonymous variant.
Genome position (GRCh38, 1-based): chr22:20,881,050, T>C. VCF-style: chr22-20881050-T-C. GRCh37 (hg19) VCF-style: chr22-21235338-T-C.
Other names: c.436T>C (NM_004782.3).
Identifiers: ClinVar variation 3016606 (VCV003016606.4), dbSNP rs762909408, ClinGen allele CA10117147.
Genomic context (GRCh38, chr22:20,881,050, plus strand): 5'-ATTGTCATAGGGGTTTTTCCTTTTTAAACGTTTTCTTTTTTGTGAACTTTTATCCAAAGA[T>C]TGAAAGAAGCTATAAGTACAAGTAAAGAACAGGAAGCAAAGTACCAGGCCAGCCACCCAA-3'
Protein context (NP_004773.1, residues 136-156): GTLTSQPNNR[Leu146=]KEAISTSKEQ

ClinVar aggregate classification (germline): Likely benign. Review status: criteria provided, multiple submitters, no conflicts (2 of 4 stars). 2 submissions from 2 submitters: Likely benign (2). Last evaluated 2026-01-26.

Conditions:
SNAP29-related disorder. Also called: SNAP29-related condition.

Allele frequency attached by ClinVar (database versions not stated): ExAC 0.00001; gnomAD exomes 0.00001; gnomAD 0.00007; TOPMed 0.00012.
gnomAD v4.1: 22 of 1,603,746 alleles (0.0014%); highest among the groups gnomAD compares: African/African-American, 0.024%; no homozygotes.

Submissions (2):

Labcorp Genetics (formerly Invitae), Labcorp
Classification: Likely benign. Last evaluated: 2026-01-26. Review status: criteria provided, single submitter. Criteria: Invitae Variant Classification Sherloc (09022015). Collection method: clinical testing. Allele origin: germline.

PreventionGenetics, part of Exact Sciences
Classification: Likely benign for SNAP29-related condition. Last evaluated: 2025-05-23. Review status: criteria provided, single submitter. Criteria: ACMG Guidelines, 2015. Collection method: clinical testing. Allele origin: germline.
Comment: This variant is classified as likely benign based on ACMG/AMP sequence variant interpretation guidelines (Richards et al. 2015 PMID: 25741868, with internal and published modifications).